The following is an entry in ClinVar:

NM_001365536.1(SCN9A):c.1009C>T (p.Pro337Ser)

Genes: SCN1A-AS1 (SCN1A and SCN9A antisense RNA 1; plus strand), SCN9A (sodium voltage-gated channel alpha subunit 9; minus strand). Cytogenetic location: 2q24.3.
Variant type: single nucleotide variant.
Coding change: c.1009C>T on transcript NM_001365536.1 (MANE Select); coding-DNA position 1009, C replaced by T.
Protein change: p.Pro337Ser; replaces proline 337 with serine.
Molecular consequence: missense variant.
Genome position (GRCh38, 1-based): chr2:166,293,329, G>A on the plus strand (C>T on the coding strand, the complement: SCN9A is on the minus strand). VCF-style: chr2-166293329-G-A. GRCh37 (hg19) VCF-style: chr2-167149839-G-A.
Other names: c.1009C>T, p.Pro337Ser (NM_002977.4); short protein forms P337S.
Identifiers: ClinVar variation 2944565 (VCV002944565.3), dbSNP rs760969361, ClinGen allele CA1944611.

ClinVar aggregate classification (germline): Uncertain significance (1 of 4 stars; one submission).

Conditions:
Neuropathy, hereditary sensory and autonomic, type 2A (HSAN2A). Also called: HSAN IIA; WNK1-Related HSAN2 (HSAN2A); ACROOSTEOLYSIS, GIACCAI TYPE; ACROOSTEOLYSIS, NEUROGENIC; MORVAN DISEASE; NEUROPATHY, CONGENITAL SENSORY. Identifiers: Orphanet 970, MedGen C2752089, MONDO:0024309, OMIM 201300.
Generalized epilepsy with febrile seizures plus, type 7 (GEFSP7). Also called: GEFS+, TYPE 7. Identifiers: Orphanet 36387, MedGen C2751778, MONDO:0013470, OMIM 613863.

Allele frequency attached by ClinVar (database versions not stated): TOPMed below 0.00001; ExAC 0.00001.
gnomAD v4.1: 2 of 1,609,104 alleles (0.00012%); highest among the groups gnomAD compares: East Asian, 0.0045%; no homozygotes.

Submission:

Labcorp Genetics (formerly Invitae), Labcorp
Classification: Uncertain significance for Neuropathy, hereditary sensory and autonomic, type 2A; Generalized epilepsy with febrile seizures plus, type 7. Last evaluated: 2023-11-21. Review status: criteria provided, single submitter. Criteria: Invitae Variant Classification Sherloc (09022015). Collection method: clinical testing. Allele origin: germline.
Comment: This sequence change replaces proline, which is neutral and non-polar, with serine, which is neutral and polar, at codon 337 of the SCN9A protein (p.Pro337Ser). The frequency data for this variant in the population databases is considered unreliable, as metrics indicate poor data quality at this position in the gnomAD database. This variant has not been reported in the literature in individuals affected with SCN9A-related conditions. Advanced modeling of protein sequence and biophysical properties (such as structural, functional, and spatial information, amino acid conservation, physicochemical variation, residue mobility, and thermodynamic stability) has been performed at Invitae for this missense variant, however the output from this modeling did not meet the statistical confidence thresholds required to predict the impact of this variant on SCN9A protein function. In summary, the available evidence is currently insufficient to determine the role of this variant in disease. Therefore, it has been classified as a Variant of Uncertain Significance.